The following is an entry in ClinVar:

ClinVar aggregate classification (germline): Uncertain significance. Review status: criteria provided, multiple submitters, no conflicts (2 of 4 stars). 2 submissions from 2 submitters: Uncertain significance (2). Last evaluated 2025-06-11.

Conditions:
Inborn genetic diseases. Identifiers: MedGen C0950123, MeSH D030342.

Submissions (2):

GeneDx
Classification: Uncertain significance. Last evaluated: 2025-06-11. Review status: criteria provided, single submitter. Criteria: GeneDx Variant Classification Process June 2021. Collection method: clinical testing. Allele origin: germline. Affected: yes.
Comment: Not observed at significant frequency in large population cohorts (gnomAD); In silico analysis supports that this missense variant has a deleterious effect on protein structure/function; Has not been previously published as pathogenic or benign to our knowledge

Ambry Genetics
Classification: Uncertain significance for Inborn genetic diseases. Last evaluated: 2025-02-13. Review status: criteria provided, single submitter. Criteria: Ambry Variant Classification Scheme 2023. Collection method: clinical testing. Allele origin: germline.
Comment: The p.R576S variant (also known as c.1728A>T), located in coding exon 10 of the FANCM gene, results from an A to T substitution at nucleotide position 1728. The arginine at codon 576 is replaced by serine, an amino acid with dissimilar properties. This amino acid position is conserved. In addition, this alteration is predicted to be deleterious by in silico analysis. Based on the available evidence, the clinical significance of this variant remains unclear.

NM_020937.4(FANCM):c.1728A>T (p.Arg576Ser)

Gene: FANCM (FA complementation group M; plus strand). Cytogenetic location: 14q21.2.
Variant type: single nucleotide variant.
Coding change: c.1728A>T on transcript NM_020937.4 (MANE Select); coding-DNA position 1728, A replaced by T.
Protein change: p.Arg576Ser; replaces arginine 576 with serine.
Molecular consequence: missense variant.
Genome position (GRCh38, 1-based): chr14:45,164,505, A>T. VCF-style: chr14-45164505-A-T. GRCh37 (hg19) VCF-style: chr14-45633708-A-T.
Other names: c.1650A>T, p.Arg550Ser (NM_001308133.2); c.1728A>T, p.Arg576Ser (NM_001308134.2); short protein forms R576S, R550S.
Identifiers: ClinVar variation 3848727 (VCV003848727.2).
Genomic context (GRCh38, chr14:45,164,505, plus strand): 5'-TCTTATAATATGTTTTGATTCCCAGAAGAGCCCAATTCGTCTTGTACAACGAATGGGTAG[A>T]ACTGGCCGTAAACGTCAAGGCAGGATAGTTATTATCCTTTCTGAAGGACGAGAGGAACGT-3'
Protein context (NP_065988.1, residues 566-586): SPIRLVQRMG[Arg576Ser]TGRKRQGRIV